The following is an entry in ClinVar:

ClinVar aggregate classification (germline): Uncertain significance (1 of 4 stars; one submission).

Conditions:
Neurofibromatosis, type 1 (NF1). Also called: VON RECKLINGHAUSEN DISEASE; NEUROFIBROMATOSIS, TYPE I, SOMATIC; Peripheral type neurofibromatosis; Neurofibromatosis, type I. Identifiers: Orphanet 636, MedGen C0027831, MONDO:0018975, OMIM 162200. Disease mechanism: loss of function.

Submission:

Labcorp Genetics (formerly Invitae), Labcorp
Classification: Uncertain significance for Neurofibromatosis, type 1. Last evaluated: 2017-01-30. Review status: criteria provided, single submitter. Criteria: Invitae Variant Classification Sherloc (09022015). Collection method: clinical testing. Allele origin: germline.
Comment: In summary, this variant is a novel missense change with uncertain impact on protein function. It has been classified as a Variant of Uncertain Significance. Algorithms developed to predict the effect of sequence changes on RNA splicing suggest that this variant may alter RNA splicing, but this prediction has not been confirmed by published transcriptional studies. This sequence change replaces glycine with valine at codon 1385 of the NF1 protein (p.Gly1385Val). The glycine residue is highly conserved and there is a moderate physicochemical difference between glycine and valine. This variant is not present in population databases (ExAC no frequency) and has not been reported in the literature in individuals with a NF1-related disease. Algorithms developed to predict the effect of missense changes on protein structure and function do not agree on the potential impact of this missense change (SIFT: "Deleterious"; PolyPhen-2: "Probably Damaging"; Align-GVGD: "Class C0").

NM_001042492.3(NF1):c.4217G>T (p.Gly1406Val)

Gene: NF1 (neurofibromin 1; plus strand). Cytogenetic location: 17q11.2.
Variant type: single nucleotide variant.
Coding change: c.4217G>T on transcript NM_001042492.3 (MANE Select); coding-DNA position 4217, G replaced by T.
Protein change: p.Gly1406Val; replaces glycine 1406 with valine.
Molecular consequence: missense variant.
Genome position (GRCh38, 1-based): chr17:31,258,387, G>T. VCF-style: chr17-31258387-G-T. GRCh37 (hg19) VCF-style: chr17-29585405-G-T.
Other names: c.4154G>T, p.Gly1385Val (NM_000267.4); short protein forms G1385V, G1406V.
Identifiers: ClinVar variation 457683 (VCV000457683.5), dbSNP rs1555618505, ClinGen allele CA398997738.